The following is an entry in ClinVar:

ClinVar aggregate classification (germline): Conflicting classifications of pathogenicity. Review status: criteria provided, conflicting classifications (1 of 4 stars). 2 submissions from 2 submitters: Likely pathogenic (1); Uncertain significance (1). Last evaluated 2026-06-05.

Conditions:
NKX2-6-related disorder. Also called: NKX2-6-related condition.

Submissions (2):

PreventionGenetics, part of Exact Sciences
Classification: Uncertain significance for NKX2-6-related condition. Last evaluated: 2026-06-05. Review status: criteria provided, single submitter. Criteria: ACMG Guidelines, 2015. Collection method: clinical testing. Allele origin: germline.
Comment: The NKX2-6 c.362delG variant is predicted to result in a frameshift and premature protein termination (p.Gly121Valfs*83). This variant is located in the final exon of NKX2-6 and is therefore not predicted to undergo nonsense mediated decay; however, it does disrupt the final ~180 amino acids of NKX2-6. This variant, inherited from an unaffected father, has been reported in heterozygous state in an individual with tetralogy of Fallot (Ritter et al. 2020. PubMed ID: 32198970). This variant has not been reported in a large population database (gnomAD), indicating this variant is rare. Although we suspect that this variant may be pathogenic, at this time, the clinical significance of this variant is uncertain due to the absence of conclusive functional and genetic evidence.

Blueprint Genetics
Classification: Likely pathogenic for NKX2-6-related disorders. Last evaluated: 2020-06-08. Review status: criteria provided, single submitter. Criteria: ACMG Guidelines, 2015. Collection method: clinical testing. Allele origin: germline. Affected: yes. Observed: 3 variant alleles.

NM_001136271.3(NKX2-6):c.362del (p.Gly121fs)

Gene: NKX2-6 (NK2 homeobox 6; minus strand). Cytogenetic location: 8p21.2.
Variant type: Deletion.
Coding change: c.362del on transcript NM_001136271.3 (MANE Select); coding-DNA position 362, one base deleted (G; older notation c.362delG).
Protein change: p.Gly121fs; shifts the reading frame from glycine 121.
Molecular consequence: frameshift variant.
Genome position (GRCh38, 1-based): chr8:23,702,995, C deleted on the plus strand (G on the coding strand, the reverse complement: NKX2-6 is on the minus strand); the first of 4 consecutive C bases (chr8:23,702,995-23,702,998); deleting any one gives the same sequence. VCF-style (leftmost placement, unchanged base first): chr8-23702994-AC-A. GRCh37 (hg19) VCF-style: chr8-23560507-AC-A.
Other names: short protein forms G121fs.
Identifiers: ClinVar variation 2634446 (VCV002634446.3), dbSNP rs1242241900, ClinGen allele CA850035527.